The following is an entry in ClinVar:

ClinVar aggregate classification (germline): Conflicting classifications of pathogenicity. Review status: criteria provided, conflicting classifications (1 of 4 stars). 2 submissions from 2 submitters: Likely pathogenic (1); Uncertain significance (1). Last evaluated 2025-10-31.

Conditions:
Mucopolysaccharidosis, MPS-III-B (MPS3B). Also called: N-ACETYL-ALPHA-D-GLUCOSAMINIDASE DEFICIENCY; NAGLU DEFICIENCY; SANFILIPPO SYNDROME B; MPS III B; MPS IIIB (Sanfilippo Syndrome Type B); MUCOPOLYSACCHARIDOSIS, TYPE IIIB. Identifiers: Orphanet 79270, MedGen C0086648, MONDO:0009656, OMIM 252920.
Charcot-Marie-Tooth disease axonal type 2V. Also called: CHARCOT-MARIE-TOOTH NEUROPATHY, TYPE 2V; CHARCOT-MARIE-TOOTH DISEASE, AXONAL, AUTOSOMAL DOMINANT, TYPE 2V. Identifiers: Orphanet 447964, MedGen C5569050, MONDO:0014665, OMIM 616491.

Submissions (2):

Women's Health and Genetics/Laboratory Corporation of America, LabCorp
Classification: Uncertain significance. Last evaluated: 2025-10-31. Review status: criteria provided, single submitter. Criteria: LabCorp Variant Classification Summary - May 2015. Collection method: clinical testing. Allele origin: germline.
Comment: Variant summary: NAGLU c.1318G>C (p.Gly440Arg) results in a non-conservative amino acid change located in the Alpha-N-acetylglucosaminidase, tim-barrel domain of the encoded protein sequence. Algorithms developed to predict the effect of missense changes on protein structure and function all suggest that this variant is likely to be disruptive. The variant was absent in 249942 control chromosomes. The available data on variant occurrences in the general population are insufficient to allow any conclusion about variant significance. c.1318G>C has been reported in the presumed compound heterozygous state in the literature in at least 1 individual affected with clinical features of Mucopolysaccharidosis Type IIIB (Sanfilippo Syndrome B) (example: Montenegro_2021). These data do not allow any conclusion about variant significance. To our knowledge, no experimental evidence demonstrating an impact on protein function has been reported. The following publication has been ascertained in the context of this evaluation (PMID: 34347683). ClinVar contains an entry for this variant (Variation ID: 1479660). Based on the evidence outlined above, the variant was classified as uncertain significance.

Labcorp Genetics (formerly Invitae), Labcorp
Classification: Likely pathogenic for Charcot-Marie-Tooth disease axonal type 2V; Mucopolysaccharidosis, MPS-III-B. Last evaluated: 2025-08-21. Review status: criteria provided, single submitter. Criteria: Invitae Variant Classification Sherloc (09022015). Collection method: clinical testing. Allele origin: germline.
Comment: This sequence change replaces glycine, which is neutral and non-polar, with arginine, which is basic and polar, at codon 440 of the NAGLU protein (p.Gly440Arg). This variant is not present in population databases (gnomAD no frequency). This missense change has been observed in individual(s) with mucopolysaccharidosis type III (PMID: 34347683). ClinVar contains an entry for this variant (Variation ID: 1479660). Invitae Evidence Modeling of protein sequence and biophysical properties (such as structural, functional, and spatial information, amino acid conservation, physicochemical variation, residue mobility, and thermodynamic stability) indicates that this missense variant is expected to disrupt NAGLU protein function with a positive predictive value of 95%. In summary, the currently available evidence indicates that the variant is pathogenic, but additional data are needed to prove that conclusively. Therefore, this variant has been classified as Likely Pathogenic.

Literature cited by the submitters: PubMed 34347683 (cited by Women's Health and Genetics/Laboratory Corporation of America, LabCorp and Labcorp Genetics (formerly Invitae), Labcorp).

NM_000263.4(NAGLU):c.1318G>C (p.Gly440Arg)

Gene: NAGLU (N-acetyl-alpha-glucosaminidase; plus strand). Cytogenetic location: 17q21.2.
Variant type: single nucleotide variant.
Coding change: c.1318G>C on transcript NM_000263.4 (MANE Select); coding-DNA position 1318, G replaced by C.
Protein change: p.Gly440Arg; replaces glycine 440 with arginine.
Molecular consequence: missense variant.
Genome position (GRCh38, 1-based): chr17:42,543,324, G>C. VCF-style: chr17-42543324-G-C. GRCh37 (hg19) VCF-style: chr17-40695342-G-C.
Other names: short protein forms G440R.
Identifiers: ClinVar variation 1479660 (VCV001479660.9), dbSNP rs2143109259, ClinGen allele CA399601862.
Genomic context (GRCh38, chr17:42,543,324, plus strand): 5'-CTAGAGGCTGTGAACGGAGGCCCAGAAGCTGCCCGCCTCTTCCCCAACTCCACCATGGTA[G>C]GCACGGGCATGGCCCCCGAGGGCATCAGCCAGAACGAAGTGGTCTATTCCCTCATGGCTG-3'
Protein context (NP_000254.2, residues 430-450): ARLFPNSTMV[Gly440Arg]TGMAPEGISQ